The following is an entry in ClinVar:

NM_003722.5(TP63):c.1814G>A (p.Arg605Gln)

Gene: TP63 (tumor protein p63; plus strand). Cytogenetic location: 3q28.
Variant type: single nucleotide variant.
Coding change: c.1814G>A on transcript NM_003722.5 (MANE Select); coding-DNA position 1814, G replaced by A.
Protein change: p.Arg605Gln; replaces arginine 605 with glutamine.
Molecular consequence: missense variant. On other transcripts: 3 prime UTR variant (6).
Genome position (GRCh38, 1-based): chr3:189,894,273, G>A. VCF-style: chr3-189894273-G-A. GRCh37 (hg19) VCF-style: chr3-189612062-G-A.
Other names: c.*52G>A (NM_001114978.2, NM_001114981.2); c.1532G>A, p.Arg511Gln (NM_001114980.2); c.*42G>A (NM_001329144.2, NM_001329145.2, NM_001329149.2 and 1 more transcripts); c.1277G>A, p.Arg426Gln (NM_001329146.2); c.1802G>A, p.Arg601Gln (NM_001329148.2); c.1808G>A, p.Arg603Gln (NM_001329964.2); short protein forms R601Q, R603Q, R511Q, R426Q, R605Q.
Identifiers: ClinVar variation 1412118 (VCV001412118.8), dbSNP rs142981128, ClinGen allele CA2752583.
Genomic context (GRCh38, chr3:189,894,273, plus strand): 5'-CAAGTCTGAAAATCCCTGAGCAATTTCGACATGCGATCTGGAAGGGCATCCTGGACCACC[G>A]GCAGCTCCACGAATTCTCCTCCCCTTCTCATCTCCTGCGGACCCCAAGCAGTGCCTCTAC-3'
Protein context (NP_003713.3, residues 595-615): HAIWKGILDH[Arg605Gln]QLHEFSSPSH

ClinVar aggregate classification (germline): Conflicting classifications of pathogenicity. Review status: criteria provided, conflicting classifications (1 of 4 stars). 4 submissions from 4 submitters: Uncertain significance (3); Benign (1). Last evaluated 2024-10-30.

Conditions:
TP63-Related Spectrum Disorders.
ADULT syndrome. Also called: ACRO-DERMATO-UNGUAL-LACRIMAL-TOOTH SYNDROME; Acro-dermato-ungual-lacrimal-tooth (adult) syndrome; Acro-Dermo-Ungual-Lacrimal-Tooth Syndrome (ADULT Syndrome). Identifiers: Orphanet 978, MedGen C1863204, MONDO:0007072, OMIM 103285.
Rapp-Hodgkin syndrome (RHS). Also called: ECTODERMAL DYSPLASIA, ANHIDROTIC, WITH CLEFT LIP/PALATE; Rapp-Hodgkin ectodermal dysplasia syndrome; Isolated Cleft Lip/Cleft Palate (Orofacial Cleft 8). Identifiers: MedGen C1785148, MONDO:0007508, OMIM 129400.
Ankyloblepharon-ectodermal defects-cleft lip/palate syndrome. Also called: Hay-Wells syndrome of ectodermal dysplasia; AEC SYNDROME; HAY-WELLS SYNDROME; Ankyloblepharon-ectodermal defects, cleft lip/palate; Ankyloblepharon-Ectodermal Defects-Cleft Lip/Palate Syndrome (AEC Syndrome). Identifiers: Orphanet 1071, MedGen C0406709, MONDO:0007124, OMIM 106260.
Ectrodactyly, ectodermal dysplasia, and cleft lip-palate syndrome 3. Also called: Ectrodactyly, Ectodermal Dysplasia, Clefting Syndrome; EEC SYNDROME 3; Ectrodactyly, Ectodermal Dysplasia, Cleft Lip/Palate Syndrome 3 (EEC3); Ectrodactyly, Ectodermal Dysplasia, Clefting Syndrome Type 3 (EEC3). Identifiers: Orphanet 1896, MedGen C1858562, MONDO:0011428, OMIM 604292.
Split hand-foot malformation 4. Also called: Split-Hand/Foot Malformation Type 4 (SHFM4); Split-Hand/Foot Malformation Type 4 (SHFM4 syndrome). Identifiers: Orphanet 2440, MedGen C1854442, MONDO:0011535, OMIM 605289.
Limb-mammary syndrome (LMS). Also called: Mammary hypoplasia, ectrodactyly, and other hand/foot anomalies. Identifiers: Orphanet 69085, MedGen C1863753, MONDO:0011334, OMIM 603543.
Orofacial cleft 8. Also called: Cleft lip with or without cleft palate, nonsyndromic, 8. Identifiers: MedGen C1851878, MONDO:0029145, OMIM 618149.

Allele frequency attached by ClinVar (database versions not stated): gnomAD 0.00011; gnomAD exomes 0.00013 and 0.00006; TOPMed 0.00012; ESP Exome Variant Server 0.00023; ExAC 0.00015.
gnomAD v4.1: 106 of 1,613,894 alleles (0.0066%); highest among the groups gnomAD compares: African/African-American, 0.024%; no homozygotes.

Submissions (4):

Labcorp Genetics (formerly Invitae), Labcorp
Classification: Benign. Last evaluated: 2024-10-30. Review status: criteria provided, single submitter. Criteria: Invitae Variant Classification Sherloc (09022015). Collection method: clinical testing. Allele origin: germline.

GeneDx
Classification: Uncertain significance. Last evaluated: 2022-01-13. Review status: criteria provided, single submitter. Criteria: GeneDx Variant Classification Process June 2021. Collection method: clinical testing. Allele origin: germline. Affected: yes.
Comment: Has not been previously published as pathogenic or benign to our knowledge; In silico analysis supports that this missense variant does not alter protein structure/function; This variant is associated with the following publications: (PMID: 29339502, 11159940)

Fulgent Genetics
Classification: Uncertain significance for ADULT syndrome; Ankyloblepharon-ectodermal defects-cleft lip/palate syndrome; Rapp-Hodgkin syndrome; Limb-mammary syndrome; Ectrodactyly, ectodermal dysplasia, and cleft lip-palate syndrome 3; Split hand-foot malformation 4; Orofacial cleft 8. Last evaluated: 2021-11-03. Review status: criteria provided, single submitter. Criteria: ACMG Guidelines, 2015. Collection method: clinical testing. Allele origin: unknown.

Breakthrough Genomics
Classification: Uncertain significance. Review status: criteria provided, single submitter. Criteria: ACMG Guidelines, 2015. Collection method: not provided. Allele origin: germline. Inheritance: Autosomal dominant inheritance. Affected: yes.